The following is an entry in ClinVar:

ClinVar aggregate classification (germline): Likely benign (1 of 4 stars; one submission).

Allele frequency attached by ClinVar (database versions not stated): gnomAD exomes 0.00008 and 0.00010; ExAC 0.00011.
gnomAD v4.1: 149 of 1,613,916 alleles (0.0092%); highest among the groups gnomAD compares: Middle Eastern, 0.033%; no homozygotes.

Submission:

CeGaT Center for Human Genetics Tuebingen
Classification: Likely benign. Last evaluated: 2022-07-01. Review status: criteria provided, single submitter. Criteria: CeGaT Center For Human Genetics Tuebingen Variant Classification Criteria Version 2. Collection method: clinical testing. Allele origin: germline. Affected: yes. Observed: 1 variant allele.
Comment: ASXL3: BP4, BP7

NM_030632.3(ASXL3):c.5019C>T (p.His1673=)

Gene: ASXL3 (ASXL transcriptional regulator 3; plus strand). Cytogenetic location: 18q12.1.
Variant type: single nucleotide variant.
Coding change: c.5019C>T on transcript NM_030632.3 (MANE Select); coding-DNA position 5019, C replaced by T.
Protein change: p.His1673=; no amino-acid change (histidine 1673 retained).
Molecular consequence: synonymous variant.
Genome position (GRCh38, 1-based): chr18:33,744,867, C>T. VCF-style: chr18-33744867-C-T. GRCh37 (hg19) VCF-style: chr18-31324831-C-T.
Identifiers: ClinVar variation 1701337 (VCV001701337.31), dbSNP rs760483583, ClinGen allele CA8934369.